The following is an entry in ClinVar:

NM_001283009.2(RTEL1):c.1244dup (p.Ala417fs)

Genes: RTEL1 (regulator of telomere elongation helicase 1; plus strand), RTEL1-TNFRSF6B (RTEL1-TNFRSF6B readthrough (NMD candidate); plus strand). Cytogenetic location: 20q13.33.
Variant type: Duplication.
Coding change: c.1244dup on transcript NM_001283009.2 (MANE Select); coding-DNA position 1244, one base duplicated (T; older notation c.1244dupT).
Protein change: p.Ala417fs; shifts the reading frame from alanine 417.
Molecular consequence: frameshift variant. On other transcripts: non-coding transcript variant (1).
Genome position (GRCh38, 1-based): chr20:63,685,575, T duplicated. VCF-style (leftmost placement, unchanged base first): chr20-63685574-C-CT. GRCh37 (hg19) VCF-style: chr20-62316927-C-CT.
Other names: c.575dup, p.Ala194fs (NM_001283010.1); c.1244dup, p.Ala417fs (NM_016434.4); c.1316dup, p.Ala441fs (NM_032957.5); short protein forms A417fs, A441fs, A194fs.
Identifiers: ClinVar variation 1429452 (VCV001429452.6), dbSNP rs2145411399, ClinGen allele CA2573157211.

ClinVar aggregate classification (germline): Pathogenic (1 of 4 stars; one submission).

Conditions:
Dyskeratosis congenita, autosomal recessive 5 (DKCB5). Identifiers: MedGen C3554656, MONDO:0014076, OMIM 615190.
Pulmonary fibrosis and/or bone marrow failure, Telomere-related, 3. Also called: PULMONARY FIBROSIS AND/OR BONE MARROW FAILURE SYNDROME, TELOMERE-RELATED, 3. Identifiers: Orphanet 2032, MedGen C4225346, MONDO:0014613, OMIM 616373.

Allele frequency attached by ClinVar (database versions not stated): gnomAD exomes below 0.00001.

Submission:

Labcorp Genetics (formerly Invitae), Labcorp
Classification: Pathogenic for Dyskeratosis congenita, autosomal recessive 5; Pulmonary fibrosis and/or bone marrow failure, Telomere-related, 3. Last evaluated: 2022-01-16. Review status: criteria provided, single submitter. Criteria: Invitae Variant Classification Sherloc (09022015). Collection method: clinical testing. Allele origin: germline.
Comment: This variant has not been reported in the literature in individuals affected with RTEL1-related conditions. For these reasons, this variant has been classified as Pathogenic. This variant is not present in population databases (gnomAD no frequency). This sequence change creates a premature translational stop signal (p.Ala417Glyfs*6) in the RTEL1 gene. It is expected to result in an absent or disrupted protein product. Loss-of-function variants in RTEL1 are known to be pathogenic (PMID: 23453664, 23959892, 25607374).

Literature cited by the submitters: PubMed 23453664; PubMed 23959892; PubMed 25607374.